The following is an entry in ClinVar:

NM_020989.4(CRYGC):c.84G>A (p.Pro28=)

Genes: CRYGC (crystallin gamma C; minus strand), LOC100507443 (uncharacterized LOC100507443; plus strand). Cytogenetic location: 2q33.3.
Variant type: single nucleotide variant.
Coding change: c.84G>A on transcript NM_020989.4 (MANE Select); coding-DNA position 84, G replaced by A.
Protein change: p.Pro28=; no amino-acid change (proline 28 retained).
Molecular consequence: synonymous variant.
Genome position (GRCh38, 1-based): chr2:208,129,609, C>T on the plus strand (G>A on the coding strand, the complement: CRYGC is on the minus strand). VCF-style: chr2-208129609-C-T. GRCh37 (hg19) VCF-style: chr2-208994333-C-T.
Identifiers: ClinVar variation 704390 (VCV000704390.16), dbSNP rs142890808, ClinGen allele CA2077954.

ClinVar aggregate classification (germline): Benign/Likely benign. Review status: criteria provided, multiple submitters, no conflicts (2 of 4 stars). 3 submissions from 3 submitters: Benign (1); Likely benign (2). Last evaluated 2026-02-01.

Conditions:
Nuclear pulverulent cataract (CTRCT2). Identifiers: MedGen C1852438, HP:0010698.

Allele frequency attached by ClinVar (database versions not stated): ExAC 0.00030; 1000 Genomes Project 30x 0.00031; ESP Exome Variant Server 0.00031; gnomAD 0.00033 and 0.00034; 1000 Genomes Project 0.00040; gnomAD exomes 0.00040; TOPMed 0.00043.

Submissions (3):

CeGaT Center for Human Genetics Tuebingen
Classification: Likely benign. Last evaluated: 2026-02-01. Review status: criteria provided, single submitter. Criteria: CeGaT Center For Human Genetics Tuebingen Variant Classification Criteria Version 2. Collection method: clinical testing. Allele origin: germline. Affected: yes. Observed: 1 variant allele.
Comment: CRYGC: BP4, BP7

Blueprint Genetics
Classification: Likely benign. Last evaluated: 2024-10-25. Review status: criteria provided, single submitter. Criteria: ACMG Guidelines, 2015. Collection method: clinical testing. Allele origin: germline.

Labcorp Genetics (formerly Invitae), Labcorp
Classification: Benign for Nuclear pulverulent cataract. Last evaluated: 2022-03-14. Review status: criteria provided, single submitter. Criteria: Invitae Variant Classification Sherloc (09022015). Collection method: clinical testing. Allele origin: germline.